The following is an entry in ClinVar:

ClinVar aggregate classification (germline): Uncertain significance (1 of 4 stars; one submission).

Allele frequency attached by ClinVar (database versions not stated): ExAC 0.00001; gnomAD 0.00003; TOPMed 0.00005; ESP Exome Variant Server 0.00008; gnomAD exomes 0.00008.
gnomAD v4.1: 115 of 1,614,062 alleles (0.0071%); highest among the groups gnomAD compares: African/African-American, 0.011%; no homozygotes.

Submission:

Labcorp Genetics (formerly Invitae), Labcorp
Classification: Uncertain significance. Last evaluated: 2025-11-17. Review status: criteria provided, single submitter. Criteria: Invitae Variant Classification Sherloc (09022015). Collection method: clinical testing. Allele origin: germline.
Comment: This sequence change replaces glutamic acid, which is acidic and polar, with lysine, which is basic and polar, at codon 593 of the AGAP1 protein (p.Glu593Lys). This variant is present in population databases (rs376727493, gnomAD 0.02%). This variant has not been reported in the literature in individuals affected with AGAP1-related conditions. ClinVar contains an entry for this variant (Variation ID: 2185204). An algorithm developed to predict the effect of missense changes on protein structure and function (PolyPhen-2) suggests that this variant is likely to be disruptive. In summary, the available evidence is currently insufficient to determine the role of this variant in disease. Therefore, it has been classified as a Variant of Uncertain Significance.

NM_001037131.3(AGAP1):c.1936G>A (p.Glu646Lys)

Gene: AGAP1 (ArfGAP with GTPase domain, ankyrin repeat and PH domain 1; plus strand). Cytogenetic location: 2q37.2.
Variant type: single nucleotide variant.
Coding change: c.1936G>A on transcript NM_001037131.3 (MANE Select); coding-DNA position 1936, G replaced by A.
Protein change: p.Glu646Lys; replaces glutamic acid 646 with lysine.
Molecular consequence: missense variant.
Genome position (GRCh38, 1-based): chr2:236,049,103, G>A. VCF-style: chr2-236049103-G-A. GRCh37 (hg19) VCF-style: chr2-236957747-G-A.
Other names: c.1777G>A, p.Glu593Lys (NM_014914.5); short protein forms E646K, E593K.
Identifiers: ClinVar variation 2185204 (VCV002185204.3), dbSNP rs376727493, ClinGen allele CA2185103.